The following is an entry in ClinVar:

ClinVar aggregate classification (germline): Uncertain significance. Review status: criteria provided, multiple submitters, no conflicts (2 of 4 stars). 2 submissions from 2 submitters: Uncertain significance (2). Last evaluated 2022-02-08.

Conditions:
Lethal multiple pterygium syndrome (LMPS). Identifiers: Orphanet 33108, MedGen C1854678, MONDO:0009668, OMIM 253290.

Allele frequency attached by ClinVar (database versions not stated): gnomAD exomes below 0.00001; TOPMed below 0.00001.
gnomAD v4.1: 1 of 1,614,130 alleles (0.000062%); highest among the groups gnomAD compares: Non-Finnish European, 0.000085%; no homozygotes.

Submissions (2):

Labcorp Genetics (formerly Invitae), Labcorp
Classification: Uncertain significance for Lethal multiple pterygium syndrome. Last evaluated: 2022-02-08. Review status: criteria provided, single submitter. Criteria: Invitae Variant Classification Sherloc (09022015). Collection method: clinical testing. Allele origin: germline.
Comment: This sequence change replaces glycine, which is neutral and non-polar, with aspartic acid, which is acidic and polar, at codon 448 of the CHRNA1 protein (p.Gly448Asp). This variant is not present in population databases (gnomAD no frequency). This variant has not been reported in the literature in individuals affected with CHRNA1-related conditions. Algorithms developed to predict the effect of missense changes on protein structure and function are either unavailable or do not agree on the potential impact of this missense change (SIFT: "Tolerated"; PolyPhen-2: "Possibly Damaging"; Align-GVGD: "Class C0"). In summary, the available evidence is currently insufficient to determine the role of this variant in disease. Therefore, it has been classified as a Variant of Uncertain Significance.

Revvity Omics, Revvity
Classification: Uncertain significance. Last evaluated: 2022-02-08. Review status: criteria provided, single submitter. Criteria: ACMG Guidelines, 2015. Collection method: clinical testing. Allele origin: germline.

NM_000079.4(CHRNA1):c.1343G>A (p.Gly448Asp)

Gene: CHRNA1 (cholinergic receptor nicotinic alpha 1 subunit; minus strand). Cytogenetic location: 2q31.1.
Variant type: single nucleotide variant.
Coding change: c.1343G>A on transcript NM_000079.4 (MANE Select); coding-DNA position 1343, G replaced by A.
Protein change: p.Gly448Asp; replaces glycine 448 with aspartic acid.
Molecular consequence: missense variant.
Genome position (GRCh38, 1-based): chr2:174,748,155, C>T on the plus strand (G>A on the coding strand, the complement: CHRNA1 is on the minus strand). VCF-style: chr2-174748155-C-T. GRCh37 (hg19) VCF-style: chr2-175612883-C-T.
Other names: c.1418G>A, p.Gly473Asp (NM_001039523.3); short protein forms G473D, G448D.
Identifiers: ClinVar variation 2094654 (VCV002094654.7), dbSNP rs1683769492, ClinGen allele CA349333184.
Genomic context (GRCh38, chr2:174,748,155, plus strand): 5'-GGCAGAGCTAAGCTCAGCTCATTTTCTGCTCATCCTTGCTGATTTAATTCAATGAGTCGA[C>T]CTGCAAACACGGCTAGGGTTCCGATGATGCAAACAAGCATGAAGACTCCGAGGAGTATGT-3'
Protein context (NP_000070.1, residues 438-457): CIIGTLAVFA[Gly448Asp]RLIELNQQG